The following is an entry in ClinVar:

NM_012330.4(KAT6B):c.102T>G (p.His34Gln)

Gene: KAT6B (lysine acetyltransferase 6B; plus strand). Cytogenetic location: 10q22.2.
Variant type: single nucleotide variant.
Coding change: c.102T>G on transcript NM_012330.4 (MANE Select); coding-DNA position 102, T replaced by G.
Protein change: p.His34Gln; replaces histidine 34 with glutamine.
Molecular consequence: missense variant. On other transcripts: 5 prime UTR variant (2).
Genome position (GRCh38, 1-based): chr10:74,842,959, T>G. VCF-style: chr10-74842959-T-G. GRCh37 (hg19) VCF-style: chr10-76602717-T-G.
Other names: c.102T>G, p.His34Gln (NM_001256468.2, NM_001256469.2, NM_001370132.1 and 10 more transcripts); c.-437T>G (NM_001370134.1, NM_001370135.1); short protein forms H34Q.
Identifiers: ClinVar variation 1314182 (VCV001314182.2), dbSNP rs2132071782, ClinGen allele CA377399297.

ClinVar aggregate classification (germline): Uncertain significance (1 of 4 stars; one submission).

Submission:

GeneDx
Classification: Uncertain significance. Last evaluated: 2021-03-11. Review status: criteria provided, single submitter. Criteria: GeneDx Variant Classification Process June 2021. Collection method: clinical testing. Allele origin: germline. Affected: yes.
Comment: Not observed in large population cohorts (Lek et al., 2016); In silico analysis supports that this missense variant has a deleterious effect on protein structure/function; Has not been previously published as pathogenic or benign to our knowledge